The following is an entry in ClinVar:

NM_018192.4(P3H2):c.425G>A (p.Arg142His)

Gene: P3H2 (prolyl 3-hydroxylase 2; minus strand). Cytogenetic location: 3q28.
Variant type: single nucleotide variant.
Coding change: c.425G>A on transcript NM_018192.4 (MANE Select); coding-DNA position 425, G replaced by A.
Protein change: p.Arg142His; replaces arginine 142 with histidine.
Molecular consequence: missense variant. On other transcripts: intron variant (1).
Genome position (GRCh38, 1-based): chr3:190,120,307, C>T on the plus strand (G>A on the coding strand, the complement: P3H2 is on the minus strand). VCF-style: chr3-190120307-C-T. GRCh37 (hg19) VCF-style: chr3-189838096-C-T.
Other names: c.-64+1896G>A (NM_001134418.2); c.425G>A (NM_018192.3); short protein forms R142H.
Identifiers: ClinVar variation 1369111 (VCV001369111.7), dbSNP rs779154063, ClinGen allele CA2753375.

ClinVar aggregate classification (germline): Uncertain significance. Review status: criteria provided, multiple submitters, no conflicts (2 of 4 stars). 2 submissions from 2 submitters: Uncertain significance (2). Last evaluated 2025-11-24.

Conditions:
Inborn genetic diseases. Identifiers: MedGen C0950123, MeSH D030342.

Allele frequency attached by ClinVar (database versions not stated): gnomAD exomes 0.00001 and 0.00010; gnomAD 0.00003 and 0.00004; ExAC 0.00014; TOPMed 0.00005.
gnomAD v4.1: 21 of 1,608,290 alleles (0.0013%); highest among the groups gnomAD compares: East Asian, 0.042%; no homozygotes.

Submissions (2):

Labcorp Genetics (formerly Invitae), Labcorp
Classification: Uncertain significance. Last evaluated: 2025-11-24. Review status: criteria provided, single submitter. Criteria: Invitae Variant Classification Sherloc (09022015). Collection method: clinical testing. Allele origin: germline.
Comment: This sequence change replaces arginine, which is basic and polar, with histidine, which is basic and polar, at codon 142 of the P3H2 protein (p.Arg142His). This variant is present in population databases (rs779154063, gnomAD 0.1%). This variant has not been reported in the literature in individuals affected with P3H2-related conditions. ClinVar contains an entry for this variant (Variation ID: 1369111). Invitae Evidence Modeling of protein sequence and biophysical properties (such as structural, functional, and spatial information, amino acid conservation, physicochemical variation, residue mobility, and thermodynamic stability) indicates that this missense variant is not expected to disrupt P3H2 protein function with a negative predictive value of 80%. In summary, the available evidence is currently insufficient to determine the role of this variant in disease. Therefore, it has been classified as a Variant of Uncertain Significance.

Ambry Genetics
Classification: Uncertain significance for Inborn genetic diseases. Last evaluated: 2024-03-25. Review status: criteria provided, single submitter. Criteria: Ambry Variant Classification Scheme 2023. Collection method: clinical testing. Allele origin: germline.